The following is an entry in ClinVar:

NM_000444.6(PHEX):c.1973_1984dup (p.Arg658_Ile661dup)

Genes: PHEX (phosphate regulating endopeptidase X-linked; plus strand), PTCHD1-AS (PTCHD1 and PHEX antisense RNA; minus strand). Cytogenetic location: Xp22.11.
Variant type: Duplication.
Coding change: c.1973_1984dup on transcript NM_000444.6 (MANE Select); coding-DNA positions 1973 to 1984, 12 bases duplicated (GGAAATGGATAA).
Protein change: p.Arg658_Ile661dup.
Molecular consequence: inframe insertion. On other transcripts: non-coding transcript variant (1).
Genome position (GRCh38, 1-based): chrX:22,227,514-22,227,525, GGAAATGGATAA duplicated; duplicating any 12 consecutive bases within chrX:22,227,513-22,227,525 gives the same sequence; the c. name uses the placement nearest the transcript's 3' end. VCF-style (leftmost placement, unchanged base first): chrX-22227512-C-CAGGAAATGGATA. GRCh37 (hg19) VCF-style: chrX-22245629-C-CAGGAAATGGATA.
Other names: c.1973_1984dup, p.Arg658_Ile661dup (NM_001282754.2).
Identifiers: ClinVar variation 972432 (VCV000972432.9), dbSNP rs1935547603, ClinGen allele CA1139667315.
Genomic context (GRCh38, chrX:22,227,512, plus strand): 5'-GCAAAGAGAAAAACCCACCGTTGCAGAGACTCATCTCTTCTTCTTCTCTCACCAGGCTTA[C>CAGGAAATGGATA]AGGAAATGGATAAATGACAGAAGGCAGGGACTTGAGGAGCCTCTTCTACCAGGCATCACA-3'

ClinVar aggregate classification (germline): Uncertain significance (1 of 4 stars; one submission).

Submission:

Labcorp Genetics (formerly Invitae), Labcorp
Classification: Uncertain significance. Last evaluated: 2019-11-09. Review status: criteria provided, single submitter. Criteria: Invitae Variant Classification Sherloc (09022015). Collection method: clinical testing. Allele origin: germline.
Comment: This variant has not been reported in the literature in individuals with PHEX-related conditions. This variant is not present in population databases (ExAC no frequency). This variant, c.1973_1984dup, results in the insertion of 4 amino acid(s) to the PHEX protein (p.Arg658_Ile661dup), but otherwise preserves the integrity of the reading frame. Experimental studies and prediction algorithms are not available or were not evaluated, and the functional significance of this variant is currently unknown. In summary, the available evidence is currently insufficient to determine the role of this variant in disease. Therefore, it has been classified as a Variant of Uncertain Significance.